The following is an entry in ClinVar:

ClinVar aggregate classification (germline): Pathogenic (1 of 4 stars; one submission).

Allele frequency attached by ClinVar (database versions not stated): gnomAD exomes below 0.00001; gnomAD 0.00001.
gnomAD v4.1: 1 of 1,614,066 alleles (0.000062%); highest among the groups gnomAD compares: African/African-American, 0.0013%; no homozygotes.

Submission:

GeneDx
Classification: Pathogenic. Last evaluated: 2018-10-23. Review status: criteria provided, single submitter. Criteria: GeneDx Variant Classification (06012015). Collection method: clinical testing. Allele origin: germline. Affected: yes.
Comment: A pathogenic variant has been identified in the WDR62 gene. The W386X variant has not been published as a pathogenic variant, nor has it been reported as a benign variant to our knowledge. The W386X nonsense variant is predicted to cause loss of normal protein function either through protein truncation or nonsense-mediated mRNA decay. The W386X variant is not observed at a significant frequency in large population cohorts (Lek et al., 2016). Therefore, we interpret W386X as a pathogenic variant.

NM_001083961.2(WDR62):c.1157G>A (p.Trp386Ter)

Gene: WDR62 (WD repeat domain 62; plus strand). Cytogenetic location: 19q13.12.
Variant type: single nucleotide variant.
Coding change: c.1157G>A on transcript NM_001083961.2 (MANE Select); coding-DNA position 1157, G replaced by A.
Protein change: p.Trp386Ter; replaces tryptophan 386 with a stop codon.
Molecular consequence: nonsense.
Genome position (GRCh38, 1-based): chr19:36,073,455, G>A. VCF-style: chr19-36073455-G-A. GRCh37 (hg19) VCF-style: chr19-36564357-G-A.
Other names: c.1157G>A, p.Trp386Ter (NM_173636.5); short protein forms W386*.
Identifiers: ClinVar variation 620430 (VCV000620430.1), dbSNP rs1265252597, ClinGen allele CA405433523.